The following is an entry in ClinVar:

NM_005359.6(SMAD4):c.*9A>G

Gene: SMAD4 (SMAD family member 4; plus strand). Cytogenetic location: 18q21.2.
Variant type: single nucleotide variant.
Coding change: c.*9A>G on transcript NM_005359.6 (MANE Select); 9 bases downstream of the stop codon, A replaced by G.
Molecular consequence: 3 prime UTR variant. On other transcripts: non-coding transcript variant (1).
Genome position (GRCh38, 1-based): chr18:51,078,476, A>G. VCF-style: chr18-51078476-A-G. GRCh37 (hg19) VCF-style: chr18-48604846-A-G.
Other names: c.*9A>G (NM_001407041.1, NM_001407042.1).
Identifiers: ClinVar variation 3904111 (VCV003904111.1).

ClinVar aggregate classification (germline): Benign (1 of 4 stars; one submission).

Conditions:
Juvenile polyposis/hereditary hemorrhagic telangiectasia syndrome (JPHT). Also called: JP/HHT SYNDROME; JUVENILE POLYPOSIS WITH HEREDITARY HEMORRHAGIC TELANGIECTASIA; POLYPOSIS, GENERALIZED JUVENILE, WITH PULMONARY ARTERIOVENOUS MALFORMATION; TELANGIECTASIA, HEREDITARY HEMORRHAGIC, WITH JUVENILE POLYPOSIS COLI; Juvenile Polyposis Syndrome / Hereditary Hemorrhagic Telangiectasia (JPS/HHT). Identifiers: Orphanet 2929, MedGen C1832942, MONDO:0008278, OMIM 175050.

Submission:

Myriad Genetics, Inc.
Classification: Benign for Juvenile polyposis/hereditary hemorrhagic telangiectasia syndrome. Last evaluated: 2025-03-24. Review status: criteria provided, single submitter. Criteria: Myriad Autosomal Dominant, Autosomal Recessive and X-Linked Classification Criteria (2023). Collection method: clinical testing. Allele origin: unknown.
Comment: This variant is considered benign. This variant occurs in the non-coding 3' untranslated region of the gene, and is not expected to impact protein function.